The following is an entry in ClinVar:

ClinVar aggregate classification (germline): Conflicting classifications of pathogenicity. Review status: criteria provided, conflicting classifications (1 of 4 stars). 3 submissions from 3 submitters: Uncertain significance (2); Likely benign (1). Last evaluated 2025-09-10.

Conditions:
Hereditary cancer-predisposing syndrome. Also called: Tumor predisposition; Neoplastic Syndromes, Hereditary; Hereditary neoplastic syndrome; Hereditary Cancer Syndrome. Identifiers: Orphanet 140162, MedGen C0027672, MeSH D009386, MONDO:0015356.
Hereditary nonpolyposis colorectal neoplasms. Identifiers: MedGen C0009405, MeSH D003123.

Allele frequency attached by ClinVar (database versions not stated): gnomAD exomes below 0.00001.
gnomAD v4.1: 1 of 1,613,198 alleles (0.000062%); highest among the groups gnomAD compares: East Asian, 0.0022%; no homozygotes.

Submissions (3):

Ambry Genetics
Classification: Uncertain significance for Hereditary cancer-predisposing syndrome. Last evaluated: 2025-09-10. Review status: criteria provided, single submitter. Criteria: Ambry Variant Classification Scheme 2023. Collection method: clinical testing. Allele origin: germline.
Comment: The p.K1315N variant (also known as c.3945G>T), located in coding exon 9 of the MSH6 gene, results from a G to T substitution at nucleotide position 3945. The lysine at codon 1315 is replaced by asparagine, an amino acid with similar properties. This amino acid position is conserved. In addition, this alteration is predicted to be tolerated by in silico analysis. Based on the available evidence, the clinical significance of this variant remains unclear.

Labcorp Genetics (formerly Invitae), Labcorp
Classification: Likely benign for Hereditary nonpolyposis colorectal neoplasms. Last evaluated: 2024-11-17. Review status: criteria provided, single submitter. Criteria: Invitae Variant Classification Sherloc (09022015). Collection method: clinical testing. Allele origin: germline.

Color Diagnostics, LLC DBA Color Health
Classification: Uncertain significance for Hereditary cancer-predisposing syndrome. Last evaluated: 2023-12-05. Review status: criteria provided, single submitter. Criteria: ACMG Guidelines, 2015. Collection method: clinical testing. Allele origin: germline.
Comment: This missense variant replaces lysine with asparagine at codon 1315 of the MSH6 protein. Computational prediction suggests that this variant may not impact protein structure and function (internally defined REVEL score threshold <= 0.5, PMID: 27666373). To our knowledge, functional studies have not been reported for this variant. This variant has not been reported in individuals affected with MSH6-related disorders in the literature. This variant has been identified in 1/249618 chromosomes in the general population by the Genome Aggregation Database (gnomAD). The available evidence is insufficient to determine the role of this variant in disease conclusively. Therefore, this variant is classified as a Variant of Uncertain Significance.

NM_000179.3(MSH6):c.3945G>T (p.Lys1315Asn)

Gene: MSH6 (mutS homolog 6; plus strand). Cytogenetic location: 2p16.3.
Variant type: single nucleotide variant.
Coding change: c.3945G>T on transcript NM_000179.3 (MANE Select); coding-DNA position 3945, G replaced by T.
Protein change: p.Lys1315Asn; replaces lysine 1315 with asparagine.
Molecular consequence: missense variant.
Genome position (GRCh38, 1-based): chr2:47,806,595, G>T. VCF-style: chr2-47806595-G-T. GRCh37 (hg19) VCF-style: chr2-48033734-G-T.
Other names: c.3555G>T, p.Lys1185Asn (NM_001281492.2); c.3039G>T, p.Lys1013Asn (NM_001281493.2, NM_001281494.2); short protein forms K1315N, K1013N, K1185N.
Identifiers: ClinVar variation 630513 (VCV000630513.9), dbSNP rs1166381063, ClinGen allele CA346761514.
Genomic context (GRCh38, chr2:47,806,595, plus strand): 5'-TAAAAGCTATGGCTTTAATGCAGCAAGGCTTGCTAATCTCCCAGAGGAAGTTATTCAAAA[G>T]GGACATAGAAAAGCAAGAGAATTTGAGAAGATGAATCAGTCACTACGATTATTTCGGTAA-3'
Protein context (NP_000170.1, residues 1305-1325): LANLPEEVIQ[Lys1315Asn]GHRKAREFEK